The following is an entry in ClinVar:

ClinVar aggregate classification (germline): Uncertain significance. Review status: criteria provided, multiple submitters, no conflicts (2 of 4 stars). 2 submissions from 2 submitters: Uncertain significance (2). Last evaluated 2025-11-27.

Allele frequency attached by ClinVar (database versions not stated): TOPMed 0.00004; gnomAD exomes 0.00004; gnomAD 0.00004; ExAC 0.00008.
gnomAD v4.1: 65 of 1,546,952 alleles (0.0042%); highest among the groups gnomAD compares: Middle Eastern, 0.037%; 1 homozygote.

Submissions (2):

Dasa
Classification: Uncertain significance. Last evaluated: 2025-11-27. Review status: criteria provided, single submitter. Criteria: DASA Assertion Criteria. Collection method: clinical testing. Allele origin: germline.
Comment: NM_001394372.1(BICRA):c.382C>T (p.Pro128Ser) is a missense variant that results in the substitution of proline with serine. This variant is rare in population databases. Computational prediction algorithms are consistent with a benign effect. The currently available literature and clinical evidence are not sufficient to establish a definitive association between this variant and the reported condition. Therefore, this variant is classified as a variant of uncertain significance.

Ambry Genetics
Classification: Uncertain significance. Last evaluated: 2021-07-08. Review status: criteria provided, single submitter. Criteria: Ambry Variant Classification Scheme 2023. Collection method: clinical testing. Allele origin: germline.

NM_001394372.1(BICRA):c.382C>T (p.Pro128Ser)

Gene: BICRA (BRD4 interacting chromatin remodeling complex associated protein; plus strand). Cytogenetic location: 19q13.33.
Variant type: single nucleotide variant.
Coding change: c.382C>T on transcript NM_001394372.1 (MANE Select); coding-DNA position 382, C replaced by T.
Protein change: p.Pro128Ser; replaces proline 128 with serine.
Molecular consequence: missense variant.
Genome position (GRCh38, 1-based): chr19:47,679,552, C>T. VCF-style: chr19-47679552-C-T. GRCh37 (hg19) VCF-style: chr19-48182809-C-T.
Other names: c.382C>T, p.Pro128Ser (NM_015711.3); short protein forms P128S.
Identifiers: ClinVar variation 3133922 (VCV003133922.3), dbSNP rs758895374, ClinGen allele CA9541582.
Genomic context (GRCh38, chr19:47,679,552, plus strand): 5'-CTCCAAGAGGCCAACATCACGGAGCAGACGCTGGAGGCCGAGGCTGAGCTGGACCTGGGT[C>T]CCTTCCAGCTGCCCACCCTGCAGCCTGCGGATGGCGGGGCAGGCCCGACGGGCGCTGGAG-3'
Protein context (NP_001381301.1, residues 118-138): LEAEAELDLG[Pro128Ser]FQLPTLQPAD